The following is an entry in ClinVar:

NM_017534.6(MYH2):c.3518G>A (p.Arg1173Gln)

Genes: MYHAS (myosin heavy chain gene cluster antisense RNA; plus strand), MYH2 (myosin heavy chain 2; minus strand). Cytogenetic location: 17p13.1.
Variant type: single nucleotide variant.
Coding change: c.3518G>A on transcript NM_017534.6 (MANE Select); coding-DNA position 3518, G replaced by A.
Protein change: p.Arg1173Gln; replaces arginine 1173 with glutamine.
Molecular consequence: missense variant.
Genome position (GRCh38, 1-based): chr17:10,528,916, C>T on the plus strand (G>A on the coding strand, the complement: MYH2 is on the minus strand). VCF-style: chr17-10528916-C-T. GRCh37 (hg19) VCF-style: chr17-10432233-C-T.
Other names: c.3518G>A, p.Arg1173Gln (NM_001100112.2); c.3518G>A (NM_017534.5); short protein forms R1173Q.
Identifiers: ClinVar variation 287312 (VCV000287312.13), dbSNP rs886043621, ClinGen allele CA10605742.

ClinVar aggregate classification (germline): Uncertain significance. Review status: criteria provided, multiple submitters, no conflicts (2 of 4 stars). 4 submissions from 4 submitters: Uncertain significance (4). Last evaluated 2022-12-20.

Conditions:
Inborn genetic diseases. Identifiers: MedGen C0950123, MeSH D030342.
Myopathy, proximal, and ophthalmoplegia (CMYO6). Also called: MYOPATHY WITH CONGENITAL JOINT CONTRACTURES, OPHTHALMOPLEGIA, AND RIMMED VACUOLES; CONGENITAL MYOPATHY 6 WITH OPHTHALMOPLEGIA; INCLUSION BODY MYOPATHY 3, AUTOSOMAL DOMINANT. Identifiers: Orphanet 363677, Orphanet 79091, MedGen C1854106, MONDO:0011577, OMIM 605637.

Allele frequency attached by ClinVar (database versions not stated): gnomAD 0.00001; gnomAD exomes 0.00001; TOPMed 0.00001.

Submissions (4):

Labcorp Genetics (formerly Invitae), Labcorp
Classification: Uncertain significance for Myopathy, proximal, and ophthalmoplegia. Last evaluated: 2022-12-20. Review status: criteria provided, single submitter. Criteria: Invitae Variant Classification Sherloc (09022015). Collection method: clinical testing. Allele origin: germline.
Comment: This sequence change replaces arginine, which is basic and polar, with glutamine, which is neutral and polar, at codon 1173 of the MYH2 protein (p.Arg1173Gln). This variant is present in population databases (no rsID available, gnomAD 0.003%). This variant has not been reported in the literature in individuals affected with MYH2-related conditions. ClinVar contains an entry for this variant (Variation ID: 287312). Advanced modeling of protein sequence and biophysical properties (such as structural, functional, and spatial information, amino acid conservation, physicochemical variation, residue mobility, and thermodynamic stability) performed at Invitae indicates that this missense variant is not expected to disrupt MYH2 protein function. In summary, the available evidence is currently insufficient to determine the role of this variant in disease. Therefore, it has been classified as a Variant of Uncertain Significance.

Ambry Genetics
Classification: Uncertain significance for Inborn genetic diseases. Last evaluated: 2021-07-15. Review status: criteria provided, single submitter. Criteria: Ambry Variant Classification Scheme 2023. Collection method: clinical testing. Allele origin: germline.

Revvity Omics, Revvity
Classification: Uncertain significance for Myopathy, proximal, and ophthalmoplegia. Last evaluated: 2019-04-30. Review status: criteria provided, single submitter. Criteria: ACMG Guidelines, 2015. Collection method: clinical testing. Allele origin: germline.

Eurofins Ntd Llc (ga)
Classification: Uncertain significance. Last evaluated: 2016-05-12. Review status: criteria provided, single submitter. Criteria: EGL Classification Definitions 2015. Collection method: clinical testing. Allele origin: germline. Observed: 1 variant allele, 1 heterozygote.